The following is an entry in ClinVar:

ClinVar aggregate classification (germline): Uncertain significance (1 of 4 stars; one submission).

Submission:

Ambry Genetics
Classification: Uncertain significance. Last evaluated: 2025-06-02. Review status: criteria provided, single submitter. Criteria: Ambry Variant Classification Scheme 2023. Collection method: clinical testing. Allele origin: germline.
Comment: The p.G1359R variant (also known as c.4075G>C), located in coding exon 14 of the CDK12 gene, results from a G to C substitution at nucleotide position 4075. The glycine at codon 1359 is replaced by arginine, an amino acid with dissimilar properties. This amino acid position is conserved. In addition, this alteration is predicted to be tolerated by in silico analysis. Based on the available evidence, the clinical significance of this variant remains unclear.

NM_016507.4(CDK12):c.4075G>C (p.Gly1359Arg)

Gene: CDK12 (cyclin dependent kinase 12; plus strand). Cytogenetic location: 17q12.
Variant type: single nucleotide variant.
Coding change: c.4075G>C on transcript NM_016507.4 (MANE Select); coding-DNA position 4075, G replaced by C.
Protein change: p.Gly1359Arg; replaces glycine 1359 with arginine.
Molecular consequence: missense variant.
Genome position (GRCh38, 1-based): chr17:39,530,918, G>C. VCF-style: chr17-39530918-G-C. GRCh37 (hg19) VCF-style: chr17-37687171-G-C.
Other names: c.4048G>C, p.Gly1350Arg (NM_015083.4); short protein forms G1350R, G1359R.
Identifiers: ClinVar variation 3999523 (VCV003999523.1).